The following is an entry in ClinVar:

NM_004431.5(EPHA2):c.1864+12C>T

Gene: EPHA2 (EPH receptor A2; minus strand). Cytogenetic location: 1p36.13.
Variant type: single nucleotide variant.
Coding change: c.1864+12C>T on transcript NM_004431.5 (MANE Select); 12 bases into the intron after coding-DNA position 1864, C replaced by T.
Molecular consequence: intron variant.
Genome position (GRCh38, 1-based): chr1:16,133,469, G>A on the plus strand (C>T on the coding strand, the complement: EPHA2 is on the minus strand). VCF-style: chr1-16133469-G-A. GRCh37 (hg19) VCF-style: chr1-16459964-G-A.
Other names: c.1702+12C>T (NM_001329090.2).
Identifiers: ClinVar variation 293422 (VCV000293422.10), dbSNP rs183236745, ClinGen allele CA625025.

ClinVar aggregate classification (germline): Benign. Review status: criteria provided, multiple submitters, no conflicts (2 of 4 stars). 2 submissions from 2 submitters: Benign (2). Last evaluated 2025-12-23.

Conditions:
Cataract 6 multiple types. Also called: CATARACT, AGE-RELATED CORTICAL, 2; CATARACT 6, POSTERIOR POLAR; CATARACT 6, CONGENITAL TOTAL. Identifiers: Orphanet 91492, MedGen C1861825, MONDO:0007288, OMIM 116600.

Allele frequency attached by ClinVar (database versions not stated): gnomAD exomes 0.00068 and 0.00168; ExAC 0.00201; gnomAD 0.00669 and 0.00718; ESP Exome Variant Server 0.00715; TOPMed 0.00767; 1000 Genomes Project 0.00799; 1000 Genomes Project 30x 0.00953.
gnomAD v4.1: 2,051 of 1,614,062 alleles (0.13%); highest among the groups gnomAD compares: African/African-American, 2.4%; 22 homozygotes.

Submissions (2):

Labcorp Genetics (formerly Invitae), Labcorp
Classification: Benign for Cataract 6 multiple types. Last evaluated: 2025-12-23. Review status: criteria provided, single submitter. Criteria: Invitae Variant Classification Sherloc (09022015). Collection method: clinical testing. Allele origin: germline.

Illumina Laboratory Services, Illumina
Classification: Benign for Cataract 6 multiple types. Last evaluated: 2018-01-12. Review status: criteria provided, single submitter. Criteria: ICSL Variant Classification Criteria 13 December 2019. Collection method: clinical testing. Allele origin: germline.
Comment: This variant was observed in the ICSL laboratory as part of a predisposition screen in an ostensibly healthy population. It had not been previously curated by ICSL or reported in the Human Gene Mutation Database (HGMD: prior to June 1st, 2018), and was therefore a candidate for classification through an automated scoring system. Utilizing variant allele frequency, disease prevalence and penetrance estimates, and inheritance mode, an automated score was calculated to assess if this variant is too frequent to cause the disease. Based on the score and internal cut-off values, a variant classified as benign is not then subjected to further curation. The score for this variant resulted in a classification of benign for this disease.